The following is an entry in ClinVar:

NM_000093.5(COL5A1):c.2988del (p.Gly997fs)

Gene: COL5A1 (collagen type V alpha 1 chain; plus strand). Cytogenetic location: 9q34.3.
Variant type: Deletion.
Coding change: c.2988del on transcript NM_000093.5 (MANE Select); coding-DNA position 2988, one base deleted (C; older notation c.2988delC).
Protein change: p.Gly997fs; shifts the reading frame from glycine 997.
Molecular consequence: frameshift variant.
Genome position (GRCh38, 1-based): chr9:134,801,989, C deleted; the last of 7 consecutive C bases (chr9:134,801,983-134,801,989); deleting any one gives the same sequence. VCF-style (leftmost placement, unchanged base first): chr9-134801982-GC-G. GRCh37 (hg19) VCF-style: chr9-137693828-GC-G.
Other names: c.2988delC (NM_000093.4); c.2988del, p.Gly997fs (NM_001278074.1); short protein forms G997fs.
Identifiers: ClinVar variation 409108 (VCV000409108.49), dbSNP rs764693725, ClinGen allele CA16612625.
Genomic context (GRCh38, chr9:134,801,982, plus strand): 5'-GCACCGTCAGTGCAGTGACTCTCTCTTCACAGGGTTTCCAAGGCAAGACCGGCCCTCCAG[GC>G]CCCCCCGGCGTGGTCGGCCCTCAGGTAAGCTCCAGCCTTCCCAGATTCCATGGGTCACTC-3'

ClinVar aggregate classification (germline): Pathogenic (1 of 4 stars; one submission).

Conditions:
Ehlers-Danlos syndrome, classic type, 1 (EDSCL1). Also called: EHLERS-DANLOS SYNDROME, GRAVIS TYPE; EHLERS-DANLOS SYNDROME, SEVERE CLASSIC TYPE; Ehlers-Danlos Syndrome, Classic Type, COL5A1-Related; EDS I; Ehlers-Danlos syndrome, type 1. Identifiers: MedGen C0268335, MONDO:0019567, OMIM 130000.

Submission:

Labcorp Genetics (formerly Invitae), Labcorp
Classification: Pathogenic for Ehlers-Danlos syndrome, classic type, 1. Last evaluated: 2022-10-13. Review status: criteria provided, single submitter. Criteria: Invitae Variant Classification Sherloc (09022015). Collection method: clinical testing. Allele origin: germline.
Comment: This sequence change creates a premature translational stop signal (p.Gly997Alafs*77) in the COL5A1 gene. It is expected to result in an absent or disrupted protein product. Loss-of-function variants in COL5A1 are known to be pathogenic (PMID: 23587214). This variant is not present in population databases (gnomAD no frequency). This premature translational stop signal has been observed in individual(s) with Ehlers-Danlos syndrome (PMID: 23587214). ClinVar contains an entry for this variant (Variation ID: 409108). For these reasons, this variant has been classified as Pathogenic.

Literature cited by the submitters: PubMed 23587214.